The following is an entry in ClinVar:

NM_001126128.2(PROK2):c.306G>T (p.Arg102Ser)

Gene: PROK2 (prokineticin 2; minus strand). Cytogenetic location: 3p13.
Variant type: single nucleotide variant.
Coding change: c.306G>T on transcript NM_001126128.2 (MANE Select); coding-DNA position 306, G replaced by T.
Protein change: p.Arg102Ser; replaces arginine 102 with serine.
Molecular consequence: missense variant.
Genome position (GRCh38, 1-based): chr3:71,772,808, C>A on the plus strand (G>T on the coding strand, the complement: PROK2 is on the minus strand). VCF-style: chr3-71772808-C-A. GRCh37 (hg19) VCF-style: chr3-71821959-C-A.
Other names: c.243G>T, p.Arg81Ser (NM_021935.4); short protein forms R81S, R102S.
Identifiers: ClinVar variation 4997168 (VCV004997168.1).
Genomic context (GRCh38, chr3:71,772,808, plus strand): 5'-TCGGTTAAATGAAGTCCGTAAACAGGCCAAGCCTGGCAGACATGGGCAAGTGTGATGCAT[C>A]CTCCGCCCAAAAAATGGAACCTAAATAAAAAAGAAAACGGAGTCAGAGCTGGAAAGGTTT-3'
Protein context (NP_001119600.1, residues 92-112): RKKEVPFFGR[Arg102Ser]MHHTCPCLPG

ClinVar aggregate classification (germline): Uncertain significance (1 of 4 stars; one submission).

Conditions:
PROK2-related disorder. Also called: PROK2-related condition.

Submission:

PreventionGenetics, part of Exact Sciences
Classification: Uncertain significance for PROK2-related condition. Last evaluated: 2024-12-20. Review status: criteria provided, single submitter. Criteria: ACMG Guidelines, 2015. Collection method: clinical testing. Allele origin: germline.
Comment: The PROK2 c.306G>T variant is predicted to result in the amino acid substitution p.Arg102Ser. To our knowledge, this variant has not been reported in the literature or in a large population database (gnomAD), indicating this variant is rare. An alternate substitution of this amino acid residue (p.Arg102Ser) has been reported in an individual with idiopathic hypogonadotropic hypogonadism (Liu et al. 2022. PubMed ID: 35090434). At this time, the clinical significance of this variant is uncertain due to the absence of conclusive functional and genetic evidence.